The following is an entry in ClinVar:

NM_001033855.3(DCLRE1C):c.1846C>A (p.Pro616Thr)

Gene: DCLRE1C (DNA cross-link repair 1C; minus strand). Cytogenetic location: 10p13.
Variant type: single nucleotide variant.
Coding change: c.1846C>A on transcript NM_001033855.3 (MANE Select); coding-DNA position 1846, C replaced by A.
Protein change: p.Pro616Thr; replaces proline 616 with threonine.
Molecular consequence: missense variant. On other transcripts: non-coding transcript variant (3), intron variant (3).
Genome position (GRCh38, 1-based): chr10:14,908,641, G>T on the plus strand (C>A on the coding strand, the complement: DCLRE1C is on the minus strand). VCF-style: chr10-14908641-G-T. GRCh37 (hg19) VCF-style: chr10-14950640-G-T.
Other names: c.1486C>A, p.Pro496Thr (NM_001033857.3, NM_001033858.3, NM_001289077.2 and 1 more transcripts); c.1501C>A, p.Pro501Thr (NM_001289076.2, NM_001289078.2, NM_022487.4); c.1437+64C>A (NM_001350966.2); c.1782+64C>A (NM_001350965.2); c.1422+64C>A (NM_001350967.2); short protein forms P616T, P496T, P501T.
Identifiers: ClinVar variation 3500117 (VCV003500117.2).

ClinVar aggregate classification (germline): Uncertain significance. Review status: criteria provided, multiple submitters, no conflicts (2 of 4 stars). 2 submissions from 2 submitters: Uncertain significance (2). Last evaluated 2026-01-05.

Conditions:
Severe combined immunodeficiency due to DCLRE1C deficiency (RS-SCID). Also called: SCID, AUTOSOMAL RECESSIVE, T CELL-NEGATIVE, B CELL-NEGATIVE, NK CELL-POSITIVE, WITH SENSITIVITY TO IONIZING RADIATION. Identifiers: Orphanet 275, MedGen C1865371, MONDO:0011225, OMIM 602450.
Inborn genetic diseases. Identifiers: MedGen C0950123, MeSH D030342.

gnomAD v4.1: 13 of 1,614,134 alleles (0.00081%); highest among the groups gnomAD compares: African/African-American, 0.015%; no homozygotes.

Submissions (2):

Labcorp Genetics (formerly Invitae), Labcorp
Classification: Uncertain significance for Athabaskan severe combined immunodeficiency. Last evaluated: 2026-01-05. Review status: criteria provided, single submitter. Criteria: Invitae Variant Classification Sherloc (09022015). Collection method: clinical testing. Allele origin: germline.
Comment: This sequence change replaces proline, which is neutral and non-polar, with threonine, which is neutral and polar, at codon 616 of the DCLRE1C protein (p.Pro616Thr). This variant is present in population databases (rs115066096, gnomAD 0.02%). This variant has not been reported in the literature in individuals affected with DCLRE1C-related conditions. ClinVar contains an entry for this variant (Variation ID: 3500117). An algorithm developed to predict the effect of missense changes on protein structure and function (PolyPhen-2) suggests that this variant is likely to be tolerated. In summary, the available evidence is currently insufficient to determine the role of this variant in disease. Therefore, it has been classified as a Variant of Uncertain Significance.

Ambry Genetics
Classification: Uncertain significance for Inborn genetic diseases. Last evaluated: 2024-10-07. Review status: criteria provided, single submitter. Criteria: Ambry Variant Classification Scheme 2023. Collection method: clinical testing. Allele origin: germline.